The following is an entry in ClinVar:

NM_000532.5(PCCB):c.1132G>C (p.Val378Leu)

Gene: PCCB (propionyl-CoA carboxylase subunit beta; plus strand). Cytogenetic location: 3q22.3.
Variant type: single nucleotide variant.
Coding change: c.1132G>C on transcript NM_000532.5 (MANE Select); coding-DNA position 1132, G replaced by C.
Protein change: p.Val378Leu; replaces valine 378 with leucine.
Molecular consequence: missense variant.
Genome position (GRCh38, 1-based): chr3:136,326,844, G>C. VCF-style: chr3-136326844-G-C. GRCh37 (hg19) VCF-style: chr3-136045686-G-C.
Other names: c.1192G>C, p.Val398Leu (NM_001178014.2); short protein forms V378L, V398L.
Identifiers: ClinVar variation 1470807 (VCV001470807.6), dbSNP rs761529521, ClinGen allele CA354648552.

ClinVar aggregate classification (germline): Uncertain significance (1 of 4 stars; one submission).

Conditions:
Propionic acidemia (PROP). Also called: GLYCINEMIA, KETOTIC; HYPERGLYCINEMIA WITH KETOACIDOSIS AND LEUKOPENIA; KETOTIC HYPERGLYCINEMIA. Identifiers: Orphanet 35, MedGen C0268579, MONDO:0011628, OMIM 606054, HP:0003571.

gnomAD v4.1: 2 of 1,613,190 alleles (0.00012%); highest among the groups gnomAD compares: Non-Finnish European, 0.00017%; no homozygotes.

Submission:

Labcorp Genetics (formerly Invitae), Labcorp
Classification: Uncertain significance for Propionic acidemia. Last evaluated: 2023-08-17. Review status: criteria provided, single submitter. Criteria: Invitae Variant Classification Sherloc (09022015). Collection method: clinical testing. Allele origin: germline.
Comment: In summary, the available evidence is currently insufficient to determine the role of this variant in disease. Therefore, it has been classified as a Variant of Uncertain Significance. This sequence change replaces valine, which is neutral and non-polar, with leucine, which is neutral and non-polar, at codon 378 of the PCCB protein (p.Val378Leu). This variant is not present in population databases (gnomAD no frequency). This variant has not been reported in the literature in individuals affected with PCCB-related conditions. ClinVar contains an entry for this variant (Variation ID: 1470807). Advanced modeling of protein sequence and biophysical properties (such as structural, functional, and spatial information, amino acid conservation, physicochemical variation, residue mobility, and thermodynamic stability) has been performed at Invitae for this missense variant, however the output from this modeling did not meet the statistical confidence thresholds required to predict the impact of this variant on PCCB protein function.